The following is an entry in ClinVar:

ClinVar aggregate classification (germline): Uncertain significance (1 of 4 stars; one submission).

Conditions:
Short-rib thoracic dysplasia 14 with polydactyly (SRTD14). Identifiers: Orphanet 397715, MedGen C4225286, MONDO:0014688, OMIM 616546.
Joubert syndrome 23 (JBTS23). Identifiers: Orphanet 475, MedGen C4084822, MONDO:0014664, OMIM 616490.

Allele frequency attached by ClinVar (database versions not stated): gnomAD exomes below 0.00001.
gnomAD v4.1: 4 of 1,288,020 alleles (0.00031%); highest among the groups gnomAD compares: Admixed American, 0.0027%; no homozygotes.

Submission:

Labcorp Genetics (formerly Invitae), Labcorp
Classification: Uncertain significance for Joubert syndrome 23; Short-rib thoracic dysplasia 14 with polydactyly. Last evaluated: 2022-07-29. Review status: criteria provided, single submitter. Criteria: Invitae Variant Classification Sherloc (09022015). Collection method: clinical testing. Allele origin: germline.
Comment: This sequence change replaces asparagine, which is neutral and polar, with serine, which is neutral and polar, at codon 431 of the KIAA0586 protein (p.Asn431Ser). The frequency data for this variant in the population databases is considered unreliable, as metrics indicate poor data quality at this position in the gnomAD database. This variant has not been reported in the literature in individuals affected with KIAA0586-related conditions. Algorithms developed to predict the effect of missense changes on protein structure and function output the following: SIFT: "Tolerated"; PolyPhen-2: "Benign"; Align-GVGD: "Class C0". The serine amino acid residue is found in multiple mammalian species, which suggests that this missense change does not adversely affect protein function. In summary, the available evidence is currently insufficient to determine the role of this variant in disease. Therefore, it has been classified as a Variant of Uncertain Significance.

NM_001329943.3(KIAA0586):c.1133A>G (p.Asn378Ser)

Gene: KIAA0586 (KIAA0586; plus strand). Cytogenetic location: 14q23.1.
Variant type: single nucleotide variant.
Coding change: c.1133A>G on transcript NM_001329943.3 (MANE Select); coding-DNA position 1133, A replaced by G.
Protein change: p.Asn378Ser; replaces asparagine 378 with serine.
Molecular consequence: missense variant.
Genome position (GRCh38, 1-based): chr14:58,453,353, A>G. VCF-style: chr14-58453353-A-G. GRCh37 (hg19) VCF-style: chr14-58920071-A-G.
Other names: c.1292A>G, p.Asn431Ser (NM_001244189.2); c.1088A>G, p.Asn363Ser (NM_001244190.2); c.878A>G, p.Asn293Ser (NM_001244191.2, NM_001329945.2, NM_001364700.1 and 1 more transcripts); c.1001A>G, p.Asn334Ser (NM_001244192.2); c.713A>G, p.Asn238Ser (NM_001244193.2); c.1133A>G, p.Asn378Ser (NM_001329944.2, NM_001329946.2, NM_001329947.2 and 1 more transcripts); short protein forms N238S, N293S, N334S, N378S, N431S, N363S.
Identifiers: ClinVar variation 1989261 (VCV001989261.4), dbSNP rs1450213701, ClinGen allele CA389866524.